The following is an entry in ClinVar:

NM_181784.3(SPRED2):c.204+205C>T

Gene: SPRED2 (sprouty related EVH1 domain containing 2; minus strand). Cytogenetic location: 2p14.
Variant type: single nucleotide variant.
Coding change: c.204+205C>T on transcript NM_181784.3 (MANE Select); 205 bases into the intron after coding-DNA position 204, C replaced by T.
Molecular consequence: intron variant.
Genome position (GRCh38, 1-based): chr2:65,344,514, G>A on the plus strand (C>T on the coding strand, the complement: SPRED2 is on the minus strand). VCF-style: chr2-65344514-G-A. GRCh37 (hg19) VCF-style: chr2-65571648-G-A.
Other names: c.195+205C>T (NM_001128210.2).
Identifiers: ClinVar variation 2651010 (VCV002651010.24), dbSNP rs112455706, ClinGen allele CA1687641.

ClinVar aggregate classification (germline): Likely benign (1 of 4 stars; one submission).

Allele frequency attached by ClinVar (database versions not stated): 1000 Genomes Project 0.00180; 1000 Genomes Project 30x 0.00219; TOPMed 0.00309; gnomAD 0.00349; ExAC 0.00478.
gnomAD v4.1: 2,807 of 715,174 alleles (0.39%); highest among the groups gnomAD compares: Non-Finnish European, 0.51%; 15 homozygotes.

Submission:

CeGaT Center for Human Genetics Tuebingen
Classification: Likely benign. Last evaluated: 2023-03-01. Review status: criteria provided, single submitter. Criteria: CeGaT Center For Human Genetics Tuebingen Variant Classification Criteria Version 2. Collection method: clinical testing. Allele origin: germline. Affected: yes. Observed: 2 variant alleles.
Comment: SPRED2: BS2